The following is an entry in ClinVar:

ClinVar aggregate classification (germline): Uncertain significance (1 of 4 stars; one submission).

Conditions:
Hereditary cancer-predisposing syndrome. Also called: Neoplastic Syndromes, Hereditary; Tumor predisposition; Hereditary neoplastic syndrome; Hereditary Cancer Syndrome. Identifiers: Orphanet 140162, MedGen C0027672, MeSH D009386, MONDO:0015356.

Submission:

Ambry Genetics
Classification: Uncertain significance for Hereditary cancer-predisposing syndrome. Last evaluated: 2026-08-09. Review status: criteria provided, single submitter. Criteria: Ambry Variant Classification Scheme 2023. Collection method: clinical testing. Allele origin: germline.
Comment: The p.A828D variant (also known as c.2483C>A), located in coding exon 16 of the BRIP1 gene, results from a C to A substitution at nucleotide position 2483. The alanine at codon 828 is replaced by aspartic acid, an amino acid with dissimilar properties. This amino acid position is conserved. In addition, this alteration is predicted to be deleterious by in silico analysis. Based on the available evidence, the clinical significance of this variant remains unclear.

NM_032043.3(BRIP1):c.2483C>A (p.Ala828Asp)

Gene: BRIP1 (BRCA1 interacting DNA helicase 1; minus strand). Cytogenetic location: 17q23.2.
Variant type: single nucleotide variant.
Coding change: c.2483C>A on transcript NM_032043.3 (MANE Select); coding-DNA position 2483, C replaced by A.
Protein change: p.Ala828Asp; replaces alanine 828 with aspartic acid.
Molecular consequence: missense variant.
Genome position (GRCh38, 1-based): chr17:61,715,960, G>T on the plus strand (C>A on the coding strand, the complement: BRIP1 is on the minus strand). VCF-style: chr17-61715960-G-T. GRCh37 (hg19) VCF-style: chr17-59793321-G-T.
Other names: short protein forms A828D.
Identifiers: ClinVar variation 5033445 (VCV005033445.1).